The following is an entry in ClinVar:

NM_001943.5(DSG2):c.217-4T>G

Gene: DSG2 (desmoglein 2; plus strand). Cytogenetic location: 18q12.1.
Variant type: single nucleotide variant.
Coding change: c.217-4T>G on transcript NM_001943.5 (MANE Select); 4 bases into the intron before coding-DNA position 217, T replaced by G.
Molecular consequence: intron variant.
Genome position (GRCh38, 1-based): chr18:31,520,799, T>G. VCF-style: chr18-31520799-T-G. GRCh37 (hg19) VCF-style: chr18-29100762-T-G.
Identifiers: ClinVar variation 2775205 (VCV002775205.2), dbSNP rs2510910771, ClinGen allele CA2697555383.

ClinVar aggregate classification (germline): Uncertain significance (1 of 4 stars; one submission).

Conditions:
Cardiomyopathy (CMYO). Also called: Cardiomyopathies. Identifiers: Orphanet 167848, MedGen C0878544, MONDO:0004994, HP:0001638. Inheritance: Various modes of inheritance.

Submission:

Color Diagnostics, LLC DBA Color Health
Classification: Uncertain significance for Cardiomyopathy. Last evaluated: 2021-07-27. Review status: criteria provided, single submitter. Criteria: ACMG Guidelines, 2015. Collection method: clinical testing. Allele origin: germline.
Comment: This variant causes a T to G nucleotide substitution at the -4 position of intron 3 of the DSG2 gene. To our knowledge, functional studies have not been reported for this variant. This variant has not been reported in individuals affected with cardiovascular disorders in the literature. This variant has not been identified in the general population by the Genome Aggregation Database (gnomAD). The available evidence is insufficient to determine the role of this variant in disease conclusively. Therefore, this variant is classified as a Variant of Uncertain Significance.